The following is an entry in ClinVar:

ClinVar aggregate classification (germline): Conflicting classifications of pathogenicity. Review status: criteria provided, conflicting classifications (1 of 4 stars). 20 submissions from 19 submitters: Uncertain significance (7); Benign (9); Likely benign (2). 2 of the submissions do not count toward it. Last evaluated 2026-08-01.

Conditions:
TNF receptor-associated periodic fever syndrome (TRAPS) (FPF). Also called: TUMOR NECROSIS FACTOR RECEPTOR-ASSOCIATED PERIODIC SYNDROME; Autosomal Dominant Familial Periodic Fever; FAMILIAL HIBERNIAN FEVER; TNF RECEPTOR-ASSOCIATED PERIODIC SYNDROME; TNF receptor 1-associated periodic fever syndrome; TNF Receptor-Associated Periodic Fever Syndrome. Identifiers: Orphanet 32960, MedGen C1275126, MONDO:0007727, OMIM 142680.
Multiple sclerosis, susceptibility to, 5 (MS5). Identifiers: MedGen C3553728, MONDO:0013893, OMIM 614810.
Autoinflammatory syndrome. Identifiers: Orphanet 93665, MedGen C3890737, MONDO:0019751.

Allele frequency attached by ClinVar (database versions not stated): 1000 Genomes Project 30x 0.00547; 1000 Genomes Project 0.00599; gnomAD 0.01206 and 0.01211; TOPMed 0.01207; ExAC 0.01411.
gnomAD v4.1: 25,213 of 1,613,480 alleles (1.6%); highest among the groups gnomAD compares: Non-Finnish European, 1.8%; 235 homozygotes.

Submissions 1 to 15 of 20:

CeGaT Center for Human Genetics Tuebingen
Classification: Benign. Last evaluated: 2026-08-01. Review status: criteria provided, single submitter. Criteria: CeGaT Center For Human Genetics Tuebingen Variant Classification Criteria Version 2. Collection method: clinical testing. Allele origin: germline. Affected: yes. Observed: 88 variant alleles.
Comment: TNFRSF1A: PM5, BP4, BS1, BS2

Labcorp Genetics (formerly Invitae), Labcorp
Classification: Benign for TNF receptor-associated periodic fever syndrome (TRAPS). Last evaluated: 2026-02-03. Review status: criteria provided, single submitter. Criteria: Invitae Variant Classification Sherloc (09022015). Collection method: clinical testing. Allele origin: germline.

ARUP Laboratories, Molecular Genetics and Genomics, ARUP Laboratories
Classification: Benign. Last evaluated: 2025-06-17. Review status: criteria provided, single submitter. Criteria: ARUP Molecular Germline Variant Investigation Process 2024. Collection method: clinical testing. Allele origin: germline.

Mayo Clinic Laboratories, Mayo Clinic
Classification: Benign. Last evaluated: 2025-04-14. Review status: criteria provided, single submitter. Criteria: ACMG Guidelines, 2015. Collection method: clinical testing. Allele origin: germline. Observed: 32 variant alleles.
Comment: BS1, BS2

Centre for Clinical Genetics and Genomic Diagnostics, Zealand University Hospital
Classification: Uncertain significance. Last evaluated: 2025-02-12. Review status: criteria provided, single submitter. Criteria: ACMG Guidelines, 2015. Collection method: clinical testing. Allele origin: germline.

Blueprint Genetics
Classification: Likely benign. Last evaluated: 2024-11-27. Review status: criteria provided, single submitter. Criteria: ACMG Guidelines, 2015. Collection method: clinical testing. Allele origin: germline.

Laboratory for Molecular Medicine, Mass General Brigham Personalized Medicine
Classification: Likely benign. Last evaluated: 2024-02-05. Review status: criteria provided, single submitter. Criteria: ACMG Guidelines, 2015. Collection method: clinical testing. Allele origin: germline.
Comment: The p.Arg121Gln variant in TNFRSF1A is classified as likely benign because it has been identified in 1.8% (555/29600) of Ashkenazi Jewish chromosomes, including 235 total homozygotes by gnomAD (v.4.0.0). ACMG/AMP Criteria applied: BS1.

Department of Genetics, Sultan Qaboos University Hospital
Classification: Benign for TNF receptor-associated periodic fever syndrome (TRAPS). Last evaluated: 2023-12-30. Review status: criteria provided, single submitter. Criteria: ACMG Guidelines, 2015. Collection method: curation. Allele origin: unknown. Affected: yes.

Women's Health and Genetics/Laboratory Corporation of America, LabCorp
Classification: Benign. Last evaluated: 2022-10-20. Review status: criteria provided, single submitter. Criteria: LabCorp Variant Classification Summary - May 2015. Collection method: clinical testing. Allele origin: germline.
Comment: Variant summary: TNFRSF1A c.362G>A (p.Arg121Gln) results in a conservative amino acid change located in the TNFR/NGFR cysteine-rich region (IPR001368) of the encoded protein sequence. Five of five in-silico tools predict a benign effect of the variant on protein function. The variant allele was found at a frequency of 0.013 in 282618 control chromosomes (gnomAD), including 29 homozygotes. The variant occurs predominantly at a frequency of 0.02 within the Non-Finnish European subpopulation in the gnomAD database, including 24 homozygotes. In a comprehensive characterization of the variant, Lobito_2006 demonstrated that the variant behaved similarly to the wild-type using various assays (e.g. cell surface expression, folding and association with wild-type receptors, secretion, trafficking, apoptosis inhibition). Eleven ClinVar submitters have assessed the variant since 2014: one classified the variant as likely pathogenic, five as uncertain significance, and five as benign. Based on the evidence outlined above, the variant was classified as benign.

Revvity Omics, Revvity
Classification: Uncertain significance for TNF receptor-associated periodic fever syndrome (TRAPS). Last evaluated: 2022-09-21. Review status: criteria provided, single submitter. Criteria: ACMG Guidelines, 2015. Collection method: clinical testing. Allele origin: germline.

Genetics and Molecular Pathology, SA Pathology
Classification: Benign for TNF receptor-associated periodic fever syndrome (TRAPS). Last evaluated: 2021-09-07. Review status: criteria provided, single submitter. Criteria: ACMG Guidelines, 2015. Collection method: clinical testing. Allele origin: germline. Affected: yes.

Genome Diagnostics Laboratory, The Hospital for Sick Children
Classification: Uncertain significance for Autoinflammatory syndrome. Last evaluated: 2020-04-05. Review status: criteria provided, single submitter. Criteria: ACMG Guidelines, 2015. Collection method: clinical testing. Allele origin: germline. Affected: yes.

Illumina Laboratory Services, Illumina
Classification: Uncertain significance for TNF receptor-associated periodic fever syndrome (TRAPS). Last evaluated: 2019-10-18. Review status: criteria provided, single submitter. Criteria: ICSLVariantClassificationCriteria RUGD 01 April 2020. Collection method: clinical testing. Allele origin: unknown.
Comment: The TNFRSF1A c.362G>A(p.(Arg121Gln) missense variant, also referred to as p.(Arg92Gln), is one of the most common variants associated with familial periodic fever (FPF) and has been identified in many individuals with a phenotype consistent with FPF (Aksentijevich et al. 2001; Ravet et al. 2006; Karatsourakis et al. 2014; Chandrakasan et al. 2014; Lachmann et al. 2014). The variant has been shown to segregate with disease with significantly reduced penetrance (Ravet et al. 2006; Lachmann et al. 2014). The highest frequency of this allele in the Genome Aggregation Database is 0.01987 in the European (non-Finnish) population including 29 homozygotes (version 2.1.1). Based on the conflicting evidence the c.362G>A(p.(Arg121Gln) variant is classified as a variant of uncertain significance for familial periodic fever.

Center for Genomics, Ann and Robert H. Lurie Children's Hospital of Chicago
Classification: Uncertain significance for TNF receptor-associated periodic fever syndrome (TRAPS). Last evaluated: 2019-09-16. Review status: criteria provided, single submitter. Criteria: ACMG Guidelines, 2015. Collection method: clinical testing. Allele origin: germline.
Comment: TNFRSF1A NM_001065.3 exon4 p.Arg121Gln (c.362G>A): This variant is well reported in the literature (alternate nomenclature p.Arg92Gln) and identified in several individuals with periodic fever syndrome (Aksentijevich 2001 PMID:11443543, D'Osualdo 2006 PMID:16508982, Ravet 2006 PMID:16569687, Pelagatti 2011 PMID:21225694, Cantarini 2013 PMID:23745996). However, in all literature reviewed, the phenotype of individuals with this variant is consistently reported as mild with several authors suggesting this is a low penetrance, variable mutation. At least 1 nonsegregation was also identified (Ravet 2006 PMID:16569687). This variant is present in 2% (2510/126556) of European alleles, including 24 homozygotes in the Genome Aggregation Database. This variant is present in ClinVar (Variation ID:217017). This variant amino acid Glutamine (Gln) is present in >15 species and is not well conserved among evolutionarily distant species; this suggests that this variant may not impact the protein. Additional computational prediction tools do not suggest an impact. In vitro functional studies are conflicting and do not strongly predict that this variant will impact the protein (Aksentijevich 2001 PMID:11443543, D'Osualdo 2006 PMID:16508982, Greco 2015 PMID:25888769). However, these studies may not accurately represent in vivo biological function and further studies are needed to understand its impact. In summary, data on this variant is insufficient for disease classification. Therefore, the clinical significance of this variant is uncertain.

GeneDx
Classification: Benign. Last evaluated: 2019-07-03. Review status: criteria provided, single submitter. Criteria: GeneDx Variant Classification Process June 2021. Collection method: clinical testing. Allele origin: germline. Affected: yes.
Comment: Observed together with a pathogenic variant in the MEFV gene in a patient with overlapping FMF and TRAPS phenotypes (Neocleous et al., 2016); also identified in patients heterozygous for a pathogenic variant in MEFV or NLRP3 at GeneDx; Variant frequency was not shown to differ between controls and the affected population (D'Osualdo et al., 2006); Functional studies have shown that this variant does not affect protein expression and localization or its interaction with TNF, but it results in a decrease of cellular inflammatory response (Lobito et al., 2006; Greco et al., 2015); In silico analysis, which includes protein predictors and evolutionary conservation, supports that this variant does not alter protein structure/function; This variant is associated with the following publications: (PMID: 11443543, 21153350, 22799488, 29599418, 30407166, 16508982, 23117241, 21225694, 17234651, 22887853, 16684962, 21420073, 24286006, 20675856, 21565411, 25333069, 20876156, 19525953, 18287568, 23624563, 23894535, 23079392, 20576331, 21785959, 24393624, 25888769, 25866490, 16569687, 27884173, 26616867, 15657603, 27535533, 25936627, 23461592, 27332769, 28396659, 28361096, 28927886, 27990755, 26598380, 17949559, 17038455, 27994174, 29256170, 29950375, 31365210, 31028937, 31562507, 31422021, 32199921, 31586650, 32143951)

NM_001065.4(TNFRSF1A):c.362G>A (p.Arg121Gln)

Gene: TNFRSF1A (TNF receptor superfamily member 1A; minus strand). Cytogenetic location: 12p13.31.
Variant type: single nucleotide variant.
Coding change: c.362G>A on transcript NM_001065.4 (MANE Select); coding-DNA position 362, G replaced by A.
Protein change: p.Arg121Gln; replaces arginine 121 with glutamine.
Molecular consequence: missense variant. On other transcripts: 5 prime UTR variant (1), non-coding transcript variant (1).
Genome position (GRCh38, 1-based): chr12:6,333,477, C>T on the plus strand (G>A on the coding strand, the complement: TNFRSF1A is on the minus strand). VCF-style: chr12-6333477-C-T. GRCh37 (hg19) VCF-style: chr12-6442643-C-T.
Other names: c.38G>A, p.Arg13Gln (NM_001346091.2); c.-216G>A (NM_001346092.2); short protein forms R121Q, R13Q.
Identifiers: ClinVar variation 217017 (VCV000217017.97), dbSNP rs4149584, ClinGen allele CA280920.